The following is an entry in ClinVar:

ClinVar aggregate classification (germline): Likely benign (1 of 4 stars; one submission).

Conditions:
XYLT2-related disorder. Also called: XYLT2-related condition.

Submission:

PreventionGenetics, part of Exact Sciences
Classification: Likely benign for XYLT2-related condition. Last evaluated: 2026-01-15. Review status: criteria provided, single submitter. Criteria: ACMG Guidelines, 2015. Collection method: clinical testing. Allele origin: germline.
Comment: This variant is classified as likely benign based on ACMG/AMP sequence variant interpretation guidelines (Richards et al. 2015 PMID: 25741868, with internal and published modifications).

NM_022167.4(XYLT2):c.1008-3C>T

Gene: XYLT2 (xylosyltransferase 2; plus strand). Cytogenetic location: 17q21.33.
Variant type: single nucleotide variant.
Coding change: c.1008-3C>T on transcript NM_022167.4 (MANE Select); 3 bases into the intron before coding-DNA position 1008, C replaced by T.
Molecular consequence: intron variant.
Genome position (GRCh38, 1-based): chr17:50,355,498, C>T. VCF-style: chr17-50355498-C-T. GRCh37 (hg19) VCF-style: chr17-48432859-C-T.
Identifiers: ClinVar variation 4992124 (VCV004992124.1).